The following is an entry in ClinVar:

ClinVar aggregate classification (germline): Benign/Likely benign. Review status: criteria provided, multiple submitters, no conflicts (2 of 4 stars). 2 submissions from 2 submitters: Benign (1); Likely benign (1). Last evaluated 2026-01-06.

Conditions:
Myasthenic syndrome, congenital, 22 (CMS22). Also called: PREPL DEFICIENCY. Identifiers: MedGen C4479088, MONDO:0044299, OMIM 616224.

Allele frequency attached by ClinVar (database versions not stated): gnomAD 0.00002 and 0.00003; gnomAD exomes 0.00003 and 0.00004; TOPMed 0.00003; ExAC 0.00008; ESP Exome Variant Server 0.00008.
gnomAD v4.1: 48 of 1,612,440 alleles (0.003%); highest among the groups gnomAD compares: South Asian, 0.015%; 1 homozygote.

Submissions (2):

Labcorp Genetics (formerly Invitae), Labcorp
Classification: Benign for Myasthenic syndrome, congenital, 22. Last evaluated: 2026-01-06. Review status: criteria provided, single submitter. Criteria: Invitae Variant Classification Sherloc (09022015). Collection method: clinical testing. Allele origin: germline.

CeGaT Center for Human Genetics Tuebingen
Classification: Likely benign. Last evaluated: 2023-10-01. Review status: criteria provided, single submitter. Criteria: CeGaT Center For Human Genetics Tuebingen Variant Classification Criteria Version 2. Collection method: clinical testing. Allele origin: germline. Affected: yes. Observed: 1 variant allele.
Comment: PREPL: BP4, BP7

NM_001171613.2(PREPL):c.1854C>T (p.Tyr618=)

Genes: PREPL (prolyl endopeptidase like; minus strand), SLC3A1 (solute carrier family 3 member 1; plus strand). Cytogenetic location: 2p21.
Variant type: single nucleotide variant.
Coding change: c.1854C>T on transcript NM_001171613.2 (MANE Select); coding-DNA position 1854, C replaced by T.
Protein change: p.Tyr618=; no amino-acid change (tyrosine 618 retained).
Molecular consequence: synonymous variant. On other transcripts: 3 prime UTR variant (1).
Genome position (GRCh38, 1-based): chr2:44,321,419, G>A on the plus strand (C>T on the coding strand, the complement: PREPL is on the minus strand). VCF-style: chr2-44321419-G-A. GRCh37 (hg19) VCF-style: chr2-44548558-G-A.
Other names: c.*780G>A (NM_000341.4); c.1935C>T, p.Tyr645= (NM_001042385.2); c.1923C>T, p.Tyr641= (NM_001042386.2); c.2121C>T, p.Tyr707= (NM_001171603.1, NM_001171606.2, NM_001374275.1 and 2 more transcripts); c.1854C>T, p.Tyr618= (NM_001171617.1, NM_001374277.1).
Identifiers: ClinVar variation 744990 (VCV000744990.32), dbSNP rs375511535, ClinGen allele CA1640875.